The following is an entry in ClinVar:

ClinVar aggregate classification (germline): Uncertain significance. Review status: criteria provided, multiple submitters, no conflicts (2 of 4 stars). 2 submissions from 2 submitters: Uncertain significance (2). Last evaluated 2024-03-19.

Conditions:
Tuberous sclerosis 2 (TSC2). Identifiers: Orphanet 805, MedGen C1860707, MONDO:0013199, OMIM 613254.
Hereditary cancer-predisposing syndrome. Also called: Neoplastic Syndromes, Hereditary; Hereditary Cancer Syndrome; Tumor predisposition; Hereditary neoplastic syndrome. Identifiers: Orphanet 140162, MedGen C0027672, MeSH D009386, MONDO:0015356.

Submissions (2):

Labcorp Genetics (formerly Invitae), Labcorp
Classification: Uncertain significance for Tuberous sclerosis 2. Last evaluated: 2024-03-19. Review status: criteria provided, single submitter. Criteria: Invitae Variant Classification Sherloc (09022015). Collection method: clinical testing. Allele origin: germline.
Comment: This sequence change replaces valine, which is neutral and non-polar, with leucine, which is neutral and non-polar, at codon 1599 of the TSC2 protein (p.Val1599Leu). This variant is not present in population databases (gnomAD no frequency). This variant has not been reported in the literature in individuals affected with TSC2-related conditions. ClinVar contains an entry for this variant (Variation ID: 2564621). Advanced modeling of protein sequence and biophysical properties (such as structural, functional, and spatial information, amino acid conservation, physicochemical variation, residue mobility, and thermodynamic stability) performed at Invitae indicates that this missense variant is not expected to disrupt TSC2 protein function with a negative predictive value of 95%. In summary, the available evidence is currently insufficient to determine the role of this variant in disease. Therefore, it has been classified as a Variant of Uncertain Significance.

Ambry Genetics
Classification: Uncertain significance for Hereditary cancer-predisposing syndrome. Last evaluated: 2023-03-19. Review status: criteria provided, single submitter. Criteria: Ambry Variant Classification Scheme 2023. Collection method: clinical testing. Allele origin: germline.
Comment: The p.V1599L variant (also known as c.4795G>T), located in coding exon 36 of the TSC2 gene, results from a G to T substitution at nucleotide position 4795. The valine at codon 1599 is replaced by leucine, an amino acid with highly similar properties. This amino acid position is conserved. In addition, this alteration is predicted to be deleterious by in silico analysis. Since supporting evidence is limited at this time, the clinical significance of this alteration remains unclear.

NM_000548.5(TSC2):c.4795G>T (p.Val1599Leu)

Gene: TSC2 (TSC complex subunit 2; plus strand). Cytogenetic location: 16p13.3.
Variant type: single nucleotide variant.
Coding change: c.4795G>T on transcript NM_000548.5 (MANE Select); coding-DNA position 4795, G replaced by T.
Protein change: p.Val1599Leu; replaces valine 1599 with leucine.
Molecular consequence: missense variant. On other transcripts: non-coding transcript variant (5).
Genome position (GRCh38, 1-based): chr16:2,086,325, G>T. VCF-style: chr16-2086325-G-T. GRCh37 (hg19) VCF-style: chr16-2136326-G-T.
Other names: c.4594G>T, p.Val1532Leu (NM_001077183.3); c.4726G>T, p.Val1576Leu (NM_001114382.3); c.3250G>T, p.Val1084Leu (NM_001406696.1, NM_001406697.1, NM_001406695.1); c.2992G>T, p.Val998Leu (NM_001406698.1); c.4666G>T, p.Val1556Leu (NM_021055.3, NM_001370405.1); c.4486G>T, p.Val1496Leu (NM_001318827.2); c.4450G>T, p.Val1484Leu (NM_001318829.2); c.4063G>T, p.Val1355Leu (NM_001318831.2); and 26 more; short protein forms V1084L, V1128L, V1376L, V1495L, V1513L, V1528L, V1539L, V1543L.
Identifiers: ClinVar variation 2564621 (VCV002564621.5), dbSNP rs772687631, ClinGen allele CA394308013.